The following is an entry in ClinVar:

ClinVar aggregate classification (germline): Uncertain significance (1 of 4 stars; one submission).

Conditions:
Familial thoracic aortic aneurysm and aortic dissection (TAAD). Also called: Thoracic aortic aneurysms and dissections. Identifiers: Orphanet 91387, MedGen C4707243, MONDO:0019625.

Submission:

All of Us Research Program, National Institutes of Health
Classification: Uncertain significance for Familial thoracic aortic aneurysm and aortic dissection. Last evaluated: 2023-04-27. Review status: criteria provided, single submitter. Criteria: ACMG Guidelines, 2015. Collection method: clinical testing. Allele origin: germline. Inheritance: Autosomal dominant inheritance. Observed: 1 variant allele, 1 heterozygote.
Comment: This study involves interpretation of variants in research participants for the purpose of population health screening. Participant phenotype was not available at the time of variant classification. Additional details can be found in publication PMID: 35346344, PMCID: PMC8962531

NM_002474.3(MYH11):c.2327C>A (p.Ala776Asp)

Gene: MYH11 (myosin heavy chain 11; minus strand). Cytogenetic location: 16p13.11.
Variant type: single nucleotide variant.
Coding change: c.2327C>A on transcript NM_002474.3 (MANE Select); coding-DNA position 2327, C replaced by A.
Protein change: p.Ala776Asp; replaces alanine 776 with aspartic acid.
Molecular consequence: missense variant.
Genome position (GRCh38, 1-based): chr16:15,747,654, G>T on the plus strand (C>A on the coding strand, the complement: MYH11 is on the minus strand). VCF-style: chr16-15747654-G-T. GRCh37 (hg19) VCF-style: chr16-15841511-G-T.
Other names: c.2348C>A, p.Ala783Asp (NM_001040113.2, NM_001040114.2); c.2327C>A, p.Ala776Asp (NM_022844.3); short protein forms A776D, A783D.
Identifiers: ClinVar variation 3070613 (VCV003070613.1), dbSNP rs2506265907, ClinGen allele CA394867384.